The following is an entry in ClinVar:

ClinVar aggregate classification (germline): not provided (0 of 4 stars; one submission).

Conditions:
Normal pregnancy. Identifiers: MedGen C0232989.

Submission:

Institute of Molecular and Cell Biology, University of Tartu
No classification provided. Condition: Normal pregnancy. Review status: no classification provided. Collection method: case-control. Allele origin: unknown. Affected: yes. Study: Kasak2014.
Comment: The study aimed to determine the contribution of copy number variants in the genetic etiology of normal and complicated pregnancies. The samples represented (i) maternal blood DNA drawn from healthy pregnant women during 1st or 2nd trimester and (ii) maternal and paternal blood DNA drawn at term pregnancy cases representing normal and complicated gestations (severe preeclampsia, PE; gestational diabetes, GD; small-for-gestational age newborn, SGA; large-for-gestational age newborn, LGA). We performed CNV calling based on genome-wide genotyping dataset (Illumina HumanOmniExpress-24-v1 BeadChip) by applying three algorithms, QuantiSNP, GADA (Genome Alteration Detection Algorithm) and CNstream in parallel. The acquired CNV calls were merged with HD-CNV (Hotspot Detector for Copy Number Variants) program and only the CNVs predicted by at least two programs, were considered in subsequent analysis.

Literature cited by the submitters: PubMed 25666259.

Single allele

Gene: TRA (T cell receptor alpha locus; plus strand). Cytogenetic location: 14q11.2.
Variant type: Deletion.
Identifiers: ClinVar variation 157301 (VCV000157301.2).